The following is an entry in ClinVar:

NM_001365951.3(KIF1B):c.2393T>G (p.Leu798Arg)

Gene: KIF1B (kinesin family member 1B; plus strand). Cytogenetic location: 1p36.22.
Variant type: single nucleotide variant.
Coding change: c.2393T>G on transcript NM_001365951.3 (MANE Select); coding-DNA position 2393, T replaced by G.
Protein change: p.Leu798Arg; replaces leucine 798 with arginine.
Molecular consequence: missense variant.
Genome position (GRCh38, 1-based): chr1:10,323,918, T>G. VCF-style: chr1-10323918-T-G. GRCh37 (hg19) VCF-style: chr1-10383976-T-G.
Other names: c.2393T>G, p.Leu798Arg (NM_001365952.1); c.2255T>G, p.Leu752Arg (NM_015074.3); short protein forms L752R, L798R.
Identifiers: ClinVar variation 3864120 (VCV003864120.1).

ClinVar aggregate classification (germline): Uncertain significance (1 of 4 stars; one submission).

Submission:

Ambry Genetics
Classification: Uncertain significance. Last evaluated: 2025-03-06. Review status: criteria provided, single submitter. Criteria: Ambry Variant Classification Scheme 2023. Collection method: clinical testing. Allele origin: germline.
Comment: The p.L752R variant (also known as c.2255T>G), located in coding exon 22 of the KIF1B gene, results from a T to G substitution at nucleotide position 2255. The leucine at codon 752 is replaced by arginine, an amino acid with dissimilar properties. This amino acid position is conserved. In addition, this alteration is predicted to be deleterious by in silico analysis. Based on the available evidence, the clinical significance of this variant remains unclear.